The following is an entry in ClinVar:

NM_000051.4(ATM):c.9091del (p.Gln3031fs)

Genes: ATM (ATM serine/threonine kinase; plus strand), C11orf65 (chromosome 11 open reading frame 65; minus strand). Cytogenetic location: 11q22.3.
Variant type: Deletion.
Coding change: c.9091del on transcript NM_000051.4 (MANE Select); coding-DNA position 9091, one base deleted (C; older notation c.9091delC).
Protein change: p.Gln3031fs; shifts the reading frame from glutamine 3031.
Molecular consequence: frameshift variant. On other transcripts: intron variant (2).
Genome position (GRCh38, 1-based): chr11:108,365,428, C deleted. VCF-style (leftmost placement, unchanged base first): chr11-108365427-AC-A. GRCh37 (hg19) VCF-style: chr11-108236154-AC-A.
Other names: c.9091delC, p.Gln3031Lysfs (NM_000051.3); c.9091del, p.Gln3031fs (NM_001351834.2); c.640+20492del (NM_001330368.2); c.694+20492del (NM_001351110.2); short protein forms Q3031fs.
Identifiers: ClinVar variation 944432 (VCV000944432.12), dbSNP rs2091250180, ClinGen allele CA1139662288.
Genomic context (GRCh38, chr11:108,365,427, plus strand): 5'-AATGAGACTACAAGAGAAACTGAAAGGAGTGGAAGAAGGCACTGTGCTCAGTGTTGGTGG[AC>A]AAGTGAATTTGCTCATACAGCAGGCCATAGACCCCAAAAATCTCAGCCGACTTTTCCCAG-3'

ClinVar aggregate classification (germline): Pathogenic. Review status: criteria provided, multiple submitters, no conflicts (2 of 4 stars). 2 submissions from 2 submitters: Pathogenic (2). Last evaluated 2019-07-11.

Conditions:
Hereditary cancer-predisposing syndrome. Also called: Tumor predisposition; Neoplastic Syndromes, Hereditary; Hereditary neoplastic syndrome; Hereditary Cancer Syndrome. Identifiers: Orphanet 140162, MedGen C0027672, MeSH D009386, MONDO:0015356.
Ataxia-telangiectasia syndrome (AT). Also called: Ataxia-telangiectasia, complementation group D; AT, COMPLEMENTATION GROUP C; ATAXIA-TELANGIECTASIA, COMPLEMENTATION GROUP A; ATAXIA-TELANGIECTASIA, FRESNO VARIANT; Ataxia-telangiectasia; Ataxia telangiectasia (A-T). Identifiers: Orphanet 100, MedGen C0004135, MONDO:0008840, OMIM 208900.

Submissions (2):

Labcorp Genetics (formerly Invitae), Labcorp
Classification: Pathogenic for Ataxia-telangiectasia syndrome. Last evaluated: 2019-07-11. Review status: criteria provided, single submitter. Criteria: Invitae Variant Classification Sherloc (09022015). Collection method: clinical testing. Allele origin: germline.
Comment: This sequence change results in a premature translational stop signal in the ATM gene (p.Gln3031Lysfs*2). While this is not anticipated to result in nonsense mediated decay, it is expected to disrupt the last 26 amino acids of the ATM protein. This variant is not present in population databases (ExAC no frequency). This variant has not been reported in the literature in individuals with ATM-related conditions. This variant disrupts the C-terminus of the ATM protein. Other variant(s) that disrupt this region (p.Arg3047*) have been determined to be pathogenic (PMID: 8755918, 19691550, 18560558, 10980530, 26628246). This suggests that variants that disrupt this region of the protein are likely to be causative of disease. For these reasons, this variant has been classified as Pathogenic.

Ambry Genetics
Classification: Pathogenic for Hereditary cancer-predisposing syndrome. Last evaluated: 2018-01-23. Review status: criteria provided, single submitter. Criteria: Ambry Variant Classification Scheme 2023. Collection method: clinical testing. Allele origin: germline.
Comment: The c.9091delC pathogenic mutation, located in coding exon 62 of the ATM gene, results from a deletion of one nucleotide at nucleotide position 9091, causing a translational frameshift with a predicted alternate stop codon (p.Q3031Kfs*2). This alteration is expected to result in loss of function by premature protein truncation. As such, this alteration is interpreted as a disease-causing mutation.

Literature cited by the submitters: PubMed 8755918 (cited by Labcorp Genetics (formerly Invitae), Labcorp); PubMed 19691550 (cited by Labcorp Genetics (formerly Invitae), Labcorp); PubMed 18560558 (cited by Labcorp Genetics (formerly Invitae), Labcorp); PubMed 10980530 (cited by Labcorp Genetics (formerly Invitae), Labcorp); PubMed 26628246 (cited by Labcorp Genetics (formerly Invitae), Labcorp).